The following is an entry in ClinVar:

NM_000535.7(PMS2):c.395G>A (p.Gly132Glu)

Gene: PMS2 (PMS1 homolog 2, mismatch repair system component; minus strand). Cytogenetic location: 7p22.1.
Variant type: single nucleotide variant.
Coding change: c.395G>A on transcript NM_000535.7 (MANE Select); coding-DNA position 395, G replaced by A.
Protein change: p.Gly132Glu; replaces glycine 132 with glutamic acid.
Molecular consequence: missense variant. On other transcripts: 5 prime UTR variant (8), non-coding transcript variant (1).
Genome position (GRCh38, 1-based): chr7:6,002,595, C>T on the plus strand (G>A on the coding strand, the complement: PMS2 is on the minus strand). VCF-style: chr7-6002595-C-T. GRCh37 (hg19) VCF-style: chr7-6042226-C-T.
Other names: c.-11G>A (NM_001322003.2, NM_001322004.2, NM_001322005.2 and 3 more transcripts); c.395G>A, p.Gly132Glu (NM_001322006.2, NM_001322014.2); c.77G>A, p.Gly26Glu (NM_001322007.2, NM_001322008.2); c.-490G>A (NM_001322011.2, NM_001322012.2); c.86G>A, p.Gly29Glu (NM_001322015.2); short protein forms G132E, G26E, G29E.
Identifiers: ClinVar variation 824430 (VCV000824430.5), dbSNP rs1583403941, ClinGen allele CA366744432.

ClinVar aggregate classification (germline): Uncertain significance (1 of 4 stars; one submission).

Conditions:
Hereditary cancer-predisposing syndrome. Also called: Neoplastic Syndromes, Hereditary; Tumor predisposition; Hereditary neoplastic syndrome; Hereditary Cancer Syndrome. Identifiers: Orphanet 140162, MedGen C0027672, MeSH D009386, MONDO:0015356.

gnomAD v4.1: 1 of 1,611,942 alleles (0.000062%); highest among the groups gnomAD compares: East Asian, 0.0022%; no homozygotes.

Submission:

Ambry Genetics
Classification: Uncertain significance for Hereditary cancer-predisposing syndrome. Last evaluated: 2025-06-05. Review status: criteria provided, single submitter. Criteria: Ambry Variant Classification Scheme 2023. Collection method: clinical testing. Allele origin: germline.
Comment: The p.G132E variant (also known as c.395G>A), located in coding exon 5 of the PMS2 gene, results from a G to A substitution at nucleotide position 395. The glycine at codon 132 is replaced by glutamic acid, an amino acid with similar properties. This amino acid position is highly conserved in available vertebrate species. In addition, this alteration is predicted to be deleterious by in silico analysis. Since supporting evidence is limited at this time, the clinical significance of this alteration remains unclear.